The following is an entry in ClinVar:

ClinVar aggregate classification (germline): Pathogenic (1 of 4 stars; one submission).

Allele frequency attached by ClinVar (database versions not stated): TOPMed below 0.00001.

Submission:

GeneDx
Classification: Pathogenic. Last evaluated: 2025-04-21. Review status: criteria provided, single submitter. Criteria: GeneDx Variant Classification Process June 2021. Collection method: clinical testing. Allele origin: germline. Affected: yes.
Comment: Nonsense variant predicted to result in protein truncation or nonsense mediated decay in a gene for which loss of function is a known mechanism of disease; Not observed at significant frequency in large population cohorts (gnomAD); Has not been previously published as pathogenic or benign to our knowledge

NM_001379659.1(ZNF142):c.1762C>T (p.Gln588Ter)

Gene: ZNF142 (zinc finger protein 142; minus strand). Cytogenetic location: 2q35.
Variant type: single nucleotide variant.
Coding change: c.1762C>T on transcript NM_001379659.1 (MANE Select); coding-DNA position 1762, C replaced by T.
Protein change: p.Gln588Ter; replaces glutamine 588 with a stop codon.
Molecular consequence: nonsense.
Genome position (GRCh38, 1-based): chr2:218,648,746, G>A on the plus strand (C>T on the coding strand, the complement: ZNF142 is on the minus strand). VCF-style: chr2-218648746-G-A. GRCh37 (hg19) VCF-style: chr2-219513469-G-A.
Other names: c.1162C>T, p.Gln388Ter (NM_001105537.5, NM_001379662.1, NM_001366291.3); c.1762C>T, p.Gln588Ter (NM_001379660.1, NM_001379661.1, NM_001366290.3); c.673C>T, p.Gln225Ter (NM_001366287.3, NM_001366288.3, NM_001366289.3); short protein forms Q225*, Q388*, Q588*.
Identifiers: ClinVar variation 2442549 (VCV002442549.2), dbSNP rs1380968057, ClinGen allele CA350609455.